The following is an entry in ClinVar:

ClinVar aggregate classification (germline): Uncertain significance (1 of 4 stars; one submission).

Conditions:
Ornithine aminotransferase deficiency (GACR). Also called: OKT DEFICIENCY; Ornithine ketoacid aminotransferase deficiency; Gyrate atrophy; Gyrate atrophy of choroid and retina; Girate atrophy of the retina; HYPERORNITHINEMIA WITH GYRATE ATROPHY OF CHOROID AND RETINA. Identifiers: Orphanet 414, MedGen C0018425, MONDO:0009796, OMIM 258870.

gnomAD v4.1: 2 of 1,613,604 alleles (0.00012%); highest among the groups gnomAD compares: Admixed American, 0.0017%; no homozygotes.

Submission:

Labcorp Genetics (formerly Invitae), Labcorp
Classification: Uncertain significance for Ornithine aminotransferase deficiency. Last evaluated: 2021-10-14. Review status: criteria provided, single submitter. Criteria: Invitae Variant Classification Sherloc (09022015). Collection method: clinical testing. Allele origin: germline.
Comment: This sequence change replaces alanine with serine at codon 214 of the OAT protein (p.Ala214Ser). The alanine residue is moderately conserved and there is a moderate physicochemical difference between alanine and serine. In summary, the available evidence is currently insufficient to determine the role of this variant in disease. Therefore, it has been classified as a Variant of Uncertain Significance. Algorithms developed to predict the effect of missense changes on protein structure and function are either unavailable or do not agree on the potential impact of this missense change (SIFT: "Tolerated"; PolyPhen-2: "Possibly Damaging"; Align-GVGD: "Class C0"). This variant has not been reported in the literature in individuals affected with OAT-related conditions. This variant is not present in population databases (ExAC no frequency).

NM_000274.4(OAT):c.640G>T (p.Ala214Ser)

Gene: OAT (ornithine aminotransferase; minus strand). Cytogenetic location: 10q26.13.
Variant type: single nucleotide variant.
Coding change: c.640G>T on transcript NM_000274.4 (MANE Select); coding-DNA position 640, G replaced by T.
Protein change: p.Ala214Ser; replaces alanine 214 with serine.
Molecular consequence: missense variant.
Genome position (GRCh38, 1-based): chr10:124,405,444, C>A on the plus strand (G>T on the coding strand, the complement: OAT is on the minus strand). VCF-style: chr10-124405444-C-A. GRCh37 (hg19) VCF-style: chr10-126094013-C-A.
Other names: c.226G>T, p.Ala76Ser (NM_001171814.2); c.640G>T, p.Ala214Ser (NM_001322965.2, NM_001322966.2, NM_001322967.2 and 3 more transcripts); c.319G>T, p.Ala107Ser (NM_001322971.2); c.40G>T, p.Ala14Ser (NM_001322974.2); short protein forms A214S, A107S, A14S, A76S.
Identifiers: ClinVar variation 1371153 (VCV001371153.6), dbSNP rs1464097966, ClinGen allele CA378636102.
Genomic context (GRCh38, chr10:124,405,444, plus strand): 5'-AGCTTTAATTTCTATTCCCAATGAGCTGAGCACTATGATGCTAGTGAAATACCTCCAGTG[C>A]GGGCAGATCATTATAGGGAATGATGTCGAATCCCGGCATAAATGGTCCAAAACCATCGTA-3'
Protein context (NP_000265.1, residues 204-224): FDIIPYNDLP[Ala214Ser]LERALQDPNV